The following is an entry in ClinVar:

NM_031418.4(ANO3):c.632A>G (p.His211Arg)

Gene: ANO3 (anoctamin 3; plus strand). Cytogenetic location: 11p14.2.
Variant type: single nucleotide variant.
Coding change: c.632A>G on transcript NM_031418.4 (MANE Select); coding-DNA position 632, A replaced by G.
Protein change: p.His211Arg; replaces histidine 211 with arginine.
Molecular consequence: missense variant.
Genome position (GRCh38, 1-based): chr11:26,516,867, A>G. VCF-style: chr11-26516867-A-G. GRCh37 (hg19) VCF-style: chr11-26538414-A-G.
Other names: c.815A>G, p.His272Arg (NM_001313726.2); c.194A>G, p.His65Arg (NM_001313727.2); short protein forms H211R, H272R, H65R.
Identifiers: ClinVar variation 1002038 (VCV001002038.8), dbSNP rs1861883743, ClinGen allele CA379929107.

ClinVar aggregate classification (germline): Uncertain significance (1 of 4 stars; one submission).

Conditions:
Dystonic disorder. Also called: Dystonia. Identifiers: MedGen C0013421, MONDO:0003441, HP:0001332.

Submission:

Labcorp Genetics (formerly Invitae), Labcorp
Classification: Uncertain significance for Dystonic disorder. Last evaluated: 2024-08-13. Review status: criteria provided, single submitter. Criteria: Invitae Variant Classification Sherloc (09022015). Collection method: clinical testing. Allele origin: germline.
Comment: This sequence change replaces histidine, which is basic and polar, with arginine, which is basic and polar, at codon 211 of the ANO3 protein (p.His211Arg). This variant is not present in population databases (gnomAD no frequency). This variant has not been reported in the literature in individuals affected with ANO3-related conditions. ClinVar contains an entry for this variant (Variation ID: 1002038). Advanced modeling of protein sequence and biophysical properties (such as structural, functional, and spatial information, amino acid conservation, physicochemical variation, residue mobility, and thermodynamic stability) performed at Invitae indicates that this missense variant is expected to disrupt ANO3 protein function with a positive predictive value of 95%. In summary, the available evidence is currently insufficient to determine the role of this variant in disease. Therefore, it has been classified as a Variant of Uncertain Significance.